The following is an entry in ClinVar:

ClinVar aggregate classification (germline): Uncertain significance (1 of 4 stars; one submission).

Conditions:
Developmental and epileptic encephalopathy, 12 (DEE12). Identifiers: MedGen C3150988, MONDO:0013389, OMIM 613722.

Allele frequency attached by ClinVar (database versions not stated): gnomAD exomes below 0.00001.

Submission:

Labcorp Genetics (formerly Invitae), Labcorp
Classification: Uncertain significance for Developmental and epileptic encephalopathy, 12. Last evaluated: 2022-08-31. Review status: criteria provided, single submitter. Criteria: Invitae Variant Classification Sherloc (09022015). Collection method: clinical testing. Allele origin: germline.
Comment: Algorithms developed to predict the effect of missense changes on protein structure and function are either unavailable or do not agree on the potential impact of this missense change (SIFT: "Deleterious"; PolyPhen-2: "Benign"; Align-GVGD: "Class C0"). This variant has not been reported in the literature in individuals affected with PLCB1-related conditions. This variant is not present in population databases (gnomAD no frequency). This sequence change replaces methionine, which is neutral and non-polar, with threonine, which is neutral and polar, at codon 1091 of the PLCB1 protein (p.Met1091Thr). In summary, the available evidence is currently insufficient to determine the role of this variant in disease. Therefore, it has been classified as a Variant of Uncertain Significance.

NM_015192.4(PLCB1):c.3272T>C (p.Met1091Thr)

Gene: PLCB1 (phospholipase C beta 1; plus strand). Cytogenetic location: 20p12.3.
Variant type: single nucleotide variant.
Coding change: c.3272T>C on transcript NM_015192.4 (MANE Select); coding-DNA position 3272, T replaced by C.
Protein change: p.Met1091Thr; replaces methionine 1091 with threonine.
Molecular consequence: missense variant.
Genome position (GRCh38, 1-based): chr20:8,788,716, T>C. VCF-style: chr20-8788716-T-C. GRCh37 (hg19) VCF-style: chr20-8769363-T-C.
Other names: c.3272T>C, p.Met1091Thr (NM_182734.3); short protein forms M1091T.
Identifiers: ClinVar variation 2020055 (VCV002020055.4), dbSNP rs2515364132, ClinGen allele CA408209828.